The following is an entry in ClinVar:

ClinVar aggregate classification (germline): Uncertain significance (1 of 4 stars; one submission).

Allele frequency attached by ClinVar (database versions not stated): gnomAD exomes below 0.00001.
gnomAD v4.1: 1 of 1,614,134 alleles (0.000062%); highest among the groups gnomAD compares: South Asian, 0.0011%; no homozygotes.

Submission:

GeneDx
Classification: Uncertain significance. Last evaluated: 2021-04-22. Review status: criteria provided, single submitter. Criteria: GeneDx Variant Classification Process June 2021. Collection method: clinical testing. Allele origin: germline. Affected: yes.
Comment: Not observed in large population cohorts (Lek et al., 2016); In silico analysis supports that this missense variant has a deleterious effect on protein structure/function; Has not been previously published as pathogenic or benign to our knowledge

NM_001330078.2(NRXN1):c.4271T>G (p.Ile1424Ser)

Gene: NRXN1 (neurexin 1; minus strand). Cytogenetic location: 2p16.3.
Variant type: single nucleotide variant.
Coding change: c.4271T>G on transcript NM_001330078.2 (MANE Select); coding-DNA position 4271, T replaced by G.
Protein change: p.Ile1424Ser; replaces isoleucine 1424 with serine.
Molecular consequence: missense variant.
Genome position (GRCh38, 1-based): chr2:49,922,197, A>C on the plus strand (T>G on the coding strand, the complement: NRXN1 is on the minus strand). VCF-style: chr2-49922197-A-C. GRCh37 (hg19) VCF-style: chr2-50149335-A-C.
Other names: c.4391T>G, p.Ile1464Ser (NM_001135659.3); c.176T>G, p.Ile59Ser (NM_001320156.4); c.167T>G, p.Ile56Ser (NM_001320157.4); c.4247T>G, p.Ile1416Ser (NM_001330077.2); c.4238T>G, p.Ile1413Ser (NM_001330082.2); c.4106T>G, p.Ile1369Ser (NM_001330083.2); c.4205T>G, p.Ile1402Ser (NM_001330084.2); c.4244T>G, p.Ile1415Ser (NM_001330085.2); and 12 more; short protein forms I1354S, I1357S, I1364S, I1369S, I1377S, I1394S, I1402S, I1413S.
Identifiers: ClinVar variation 1317156 (VCV001317156.2), dbSNP rs2103999098, ClinGen allele CA346818712.
Genomic context (GRCh38, chr2:49,922,197, plus strand): 5'-CACAGGGCGGCAGCGGCTACTATCCCAACGACCATACCCGTGGTGCTGCTGGACTCCCGG[A>C]TCACTTCTGCTGAGCCTGGATACGGCTCTCTGCCGCCTGCTCGGGTTGGGTTGGCTATAG-3'
Protein context (NP_001317007.1, residues 1414-1434): REPYPGSAEV[Ile1424Ser]RESSSTTGMV